The following is an entry in ClinVar:

NM_006269.2(RP1):c.2437A>T (p.Thr813Ser)

Gene: RP1 (RP1 axonemal microtubule associated; plus strand). Cytogenetic location: 8q12.1.
Variant type: single nucleotide variant.
Coding change: c.2437A>T on transcript NM_006269.2 (MANE Select); coding-DNA position 2437, A replaced by T.
Protein change: p.Thr813Ser; replaces threonine 813 with serine.
Molecular consequence: missense variant. On other transcripts: intron variant (1).
Genome position (GRCh38, 1-based): chr8:54,626,319, A>T. VCF-style: chr8-54626319-A-T. GRCh37 (hg19) VCF-style: chr8-55538879-A-T.
Other names: c.787+4031A>T (NM_001375654.1); short protein forms T813S.
Identifiers: ClinVar variation 1517100 (VCV001517100.8), dbSNP rs1311652743, ClinGen allele CA370993843.
Genomic context (GRCh38, chr8:54,626,319, plus strand): 5'-AGAGAAATCGGTCAAAGAGATAAAGTGTTTCCTCACAATGAATCTAAATATTGCAAAAGT[A>T]CTTTTGAAAACAAAAGTTTATTTCATGTATTTAACATCCTTGAGCAAAAACCCAAAGATT-3'
Protein context (NP_006260.1, residues 803-823): PHNESKYCKS[Thr813Ser]FENKSLFHVF

ClinVar aggregate classification (germline): Uncertain significance (1 of 4 stars; one submission).

Allele frequency attached by ClinVar (database versions not stated): gnomAD exomes below 0.00001; TOPMed below 0.00001.
gnomAD v4.1: 3 of 1,613,482 alleles (0.00019%); highest among the groups gnomAD compares: Admixed American, 0.005%; no homozygotes.

Submission:

Labcorp Genetics (formerly Invitae), Labcorp
Classification: Uncertain significance. Last evaluated: 2023-10-17. Review status: criteria provided, single submitter. Criteria: Invitae Variant Classification Sherloc (09022015). Collection method: clinical testing. Allele origin: germline.
Comment: This sequence change replaces threonine, which is neutral and polar, with serine, which is neutral and polar, at codon 813 of the RP1 protein (p.Thr813Ser). This variant is present in population databases (no rsID available, gnomAD 0.003%). This variant has not been reported in the literature in individuals affected with RP1-related conditions. ClinVar contains an entry for this variant (Variation ID: 1517100). Algorithms developed to predict the effect of missense changes on protein structure and function output the following: SIFT: "Not Available"; PolyPhen-2: "Benign"; Align-GVGD: "Not Available". The serine amino acid residue is found in multiple mammalian species, which suggests that this missense change does not adversely affect protein function. In summary, the available evidence is currently insufficient to determine the role of this variant in disease. Therefore, it has been classified as a Variant of Uncertain Significance.